The following is an entry in ClinVar:

NM_203447.4(DOCK8):c.2206-12C>T

Gene: DOCK8 (dedicator of cytokinesis 8; plus strand). Cytogenetic location: 9p24.3.
Variant type: single nucleotide variant.
Coding change: c.2206-12C>T on transcript NM_203447.4 (MANE Select); 12 bases into the intron before coding-DNA position 2206, C replaced by T.
Molecular consequence: intron variant.
Genome position (GRCh38, 1-based): chr9:376,965, C>T. VCF-style: chr9-376965-C-T. GRCh37 (hg19) VCF-style: chr9-376965-C-T.
Other names: c.2002-12C>T (NM_001193536.2, NM_001190458.2).
Identifiers: ClinVar variation 682110 (VCV000682110.9), dbSNP rs576270698, ClinGen allele CA4958138.

ClinVar aggregate classification (germline): Likely benign. Review status: criteria provided, multiple submitters, no conflicts (2 of 4 stars). 2 submissions from 2 submitters: Likely benign (2). Last evaluated 2026-01-18.

Conditions:
Combined immunodeficiency due to DOCK8 deficiency (HIES2). Also called: DOCK8 Deficiency; HIES autosomal recessive; HYPER-IgE SYNDROME 2, AUTOSOMAL RECESSIVE, WITH RECURRENT INFECTIONS; Hyper-IgE recurrent infection syndrome, autosomal recessive; HYPER-IgE RECURRENT INFECTION SYNDROME 2, AUTOSOMAL RECESSIVE. Identifiers: Orphanet 217390, MedGen C4722305, MONDO:0009478, OMIM 243700.

Allele frequency attached by ClinVar (database versions not stated): ExAC 0.00001; gnomAD exomes 0.00001 and 0.00002; gnomAD 0.00012; 1000 Genomes Project 30x 0.00016; 1000 Genomes Project 0.00020; TOPMed 0.00029.
gnomAD v4.1: 38 of 1,612,050 alleles (0.0024%); highest among the groups gnomAD compares: Admixed American, 0.048%; no homozygotes.

Submissions (2):

Labcorp Genetics (formerly Invitae), Labcorp
Classification: Likely benign for Combined immunodeficiency due to DOCK8 deficiency. Last evaluated: 2026-01-18. Review status: criteria provided, single submitter. Criteria: Invitae Variant Classification Sherloc (09022015). Collection method: clinical testing. Allele origin: germline.

GeneDx
Classification: Likely benign. Last evaluated: 2018-04-10. Review status: criteria provided, single submitter. Criteria: GeneDx Variant Classification (06012015). Collection method: clinical testing. Allele origin: germline. Affected: yes.
Comment: This variant is considered likely benign or benign based on one or more of the following criteria: it is a conservative change, it occurs at a poorly conserved position in the protein, it is predicted to be benign by multiple in silico algorithms, and/or has population frequency not consistent with disease.